The following is an entry in ClinVar:

NM_001182.5(ALDH7A1):c.449A>T (p.Tyr150Phe)

Gene: ALDH7A1 (aldehyde dehydrogenase 7 family member A1; minus strand). Cytogenetic location: 5q23.2.
Variant type: single nucleotide variant.
Coding change: c.449A>T on transcript NM_001182.5 (MANE Select); coding-DNA position 449, A replaced by T.
Protein change: p.Tyr150Phe; replaces tyrosine 150 with phenylalanine.
Molecular consequence: missense variant.
Genome position (GRCh38, 1-based): chr5:126,582,919, T>A on the plus strand (A>T on the coding strand, the complement: ALDH7A1 is on the minus strand). VCF-style: chr5-126582919-T-A. GRCh37 (hg19) VCF-style: chr5-125918611-T-A.
Other names: c.365A>T, p.Tyr122Phe (NM_001201377.2); c.449A>T, p.Tyr150Phe (NM_001202404.2); short protein forms Y122F, Y150F.
Identifiers: ClinVar variation 3361806 (VCV003361806.1).

ClinVar aggregate classification (germline): Uncertain significance (1 of 4 stars; one submission).

Submission:

GeneDx
Classification: Uncertain significance. Last evaluated: 2023-08-01. Review status: criteria provided, single submitter. Criteria: GeneDx Variant Classification Process June 2021. Collection method: clinical testing. Allele origin: germline. Affected: yes.
Comment: Not observed at significant frequency in large population cohorts (gnomAD); In silico analysis supports that this missense variant has a deleterious effect on protein structure/function; Has not been previously published as pathogenic or benign to our knowledge